The following is an entry in ClinVar:

NM_021098.3(CACNA1H):c.4516T>C (p.Trp1506Arg)

Gene: CACNA1H (calcium voltage-gated channel subunit alpha1 H; plus strand). Cytogenetic location: 16p13.3.
Variant type: single nucleotide variant.
Coding change: c.4516T>C on transcript NM_021098.3 (MANE Select); coding-DNA position 4516, T replaced by C.
Protein change: p.Trp1506Arg; replaces tryptophan 1506 with arginine.
Molecular consequence: missense variant.
Genome position (GRCh38, 1-based): chr16:1,211,755, T>C. VCF-style: chr16-1211755-T-C. GRCh37 (hg19) VCF-style: chr16-1261755-T-C.
Other names: c.4516T>C, p.Trp1506Arg (NM_001005407.2); short protein forms W1506R.
Identifiers: ClinVar variation 4278814 (VCV004278814.1).

ClinVar aggregate classification (germline): Uncertain significance (1 of 4 stars; one submission).

Submission:

GeneDx
Classification: Uncertain significance. Last evaluated: 2025-04-03. Review status: criteria provided, single submitter. Criteria: GeneDx Variant Classification Process June 2021. Collection method: clinical testing. Allele origin: germline. Affected: yes.
Comment: Not observed at significant frequency in large population cohorts (gnomAD); In silico analysis supports that this missense variant has a deleterious effect on protein structure/function; Has not been previously published as pathogenic or benign to our knowledge